The following is an entry in ClinVar:

ClinVar aggregate classification (germline): Uncertain significance (1 of 4 stars; one submission).

Allele frequency attached by ClinVar (database versions not stated): ExAC 0.00002.
gnomAD v4.1: 2 of 1,612,858 alleles (0.00012%); highest among the groups gnomAD compares: Admixed American, 0.0033%; no homozygotes.

Submission:

Labcorp Genetics (formerly Invitae), Labcorp
Classification: Uncertain significance. Last evaluated: 2023-05-16. Review status: criteria provided, single submitter. Criteria: Invitae Variant Classification Sherloc (09022015). Collection method: clinical testing. Allele origin: germline.
Comment: In summary, the available evidence is currently insufficient to determine the role of this variant in disease. Therefore, it has been classified as a Variant of Uncertain Significance. Advanced modeling of protein sequence and biophysical properties (such as structural, functional, and spatial information, amino acid conservation, physicochemical variation, residue mobility, and thermodynamic stability) performed at Invitae indicates that this missense variant is not expected to disrupt RAI1 protein function. This variant has not been reported in the literature in individuals affected with RAI1-related conditions. This variant is present in population databases (rs755763844, gnomAD 0.006%). This sequence change replaces proline, which is neutral and non-polar, with alanine, which is neutral and non-polar, at codon 1169 of the RAI1 protein (p.Pro1169Ala).

NM_030665.4(RAI1):c.3505C>G (p.Pro1169Ala)

Gene: RAI1 (retinoic acid induced 1; plus strand). Cytogenetic location: 17p11.2.
Variant type: single nucleotide variant.
Coding change: c.3505C>G on transcript NM_030665.4 (MANE Select); coding-DNA position 3505, C replaced by G.
Protein change: p.Pro1169Ala; replaces proline 1169 with alanine.
Molecular consequence: missense variant.
Genome position (GRCh38, 1-based): chr17:17,796,453, C>G. VCF-style: chr17-17796453-C-G. GRCh37 (hg19) VCF-style: chr17-17699767-C-G.
Other names: short protein forms P1169A.
Identifiers: ClinVar variation 2904351 (VCV002904351.3), dbSNP rs755763844, ClinGen allele CA8418738.